The following is an entry in ClinVar:

NM_000048.4(ASL):c.404T>G (p.Leu135Arg)

Gene: ASL (argininosuccinate lyase; plus strand). Cytogenetic location: 7q11.21.
Variant type: single nucleotide variant.
Coding change: c.404T>G on transcript NM_000048.4 (MANE Select); coding-DNA position 404, T replaced by G.
Protein change: p.Leu135Arg; replaces leucine 135 with arginine.
Molecular consequence: missense variant.
Genome position (GRCh38, 1-based): chr7:66,083,132, T>G. VCF-style: chr7-66083132-T-G. GRCh37 (hg19) VCF-style: chr7-65548119-T-G.
Other names: c.404T>G, p.Leu135Arg (NM_001024943.2, NM_001024944.2, NM_001024946.2); short protein forms L135R.
Identifiers: ClinVar variation 1375120 (VCV001375120.8), dbSNP rs1786559599, ClinGen allele CA367639378.

ClinVar aggregate classification (germline): Uncertain significance (1 of 4 stars; one submission).

Conditions:
Argininosuccinate lyase deficiency. Also called: ASL DEFICIENCY; Argininosuccinic aciduria; ARGININOSUCCINIC ACID LYASE DEFICIENCY. Identifiers: Orphanet 23, MedGen C0268547, MONDO:0008815, OMIM 207900, HP:0025630.

Allele frequency attached by ClinVar (database versions not stated): TOPMed below 0.00001.

Submission:

Labcorp Genetics (formerly Invitae), Labcorp
Classification: Uncertain significance for Argininosuccinate lyase deficiency. Last evaluated: 2021-12-02. Review status: criteria provided, single submitter. Criteria: Invitae Variant Classification Sherloc (09022015). Collection method: clinical testing. Allele origin: germline.
Comment: This sequence change replaces leucine, which is neutral and non-polar, with arginine, which is basic and polar, at codon 135 of the ASL protein (p.Leu135Arg). This variant is not present in population databases (gnomAD no frequency). This variant has not been reported in the literature in individuals affected with ASL-related conditions. Advanced modeling of protein sequence and biophysical properties (such as structural, functional, and spatial information, amino acid conservation, physicochemical variation, residue mobility, and thermodynamic stability) performed at Invitae indicates that this missense variant is not expected to disrupt ASL protein function. In summary, the available evidence is currently insufficient to determine the role of this variant in disease. Therefore, it has been classified as a Variant of Uncertain Significance.